The following is an entry in ClinVar:

ClinVar aggregate classification (germline): Uncertain significance (1 of 4 stars; one submission).

Conditions:
Fanconi anemia complementation group E (FANCE). Also called: FANCE-Related Fanconi Anemia. Identifiers: Orphanet 84, MedGen C3160739, MONDO:0010953, OMIM 600901.

Allele frequency attached by ClinVar (database versions not stated): gnomAD exomes below 0.00001; TOPMed below 0.00001; gnomAD 0.00001.
gnomAD v4.1: 3 of 1,614,068 alleles (0.00019%); highest among the groups gnomAD compares: African/African-American, 0.004%; no homozygotes.

Submission:

Labcorp Genetics (formerly Invitae), Labcorp
Classification: Uncertain significance for Fanconi anemia complementation group E. Last evaluated: 2024-04-29. Review status: criteria provided, single submitter. Criteria: Invitae Variant Classification Sherloc (09022015). Collection method: clinical testing. Allele origin: germline.
Comment: This sequence change replaces glutamine, which is neutral and polar, with leucine, which is neutral and non-polar, at codon 122 of the FANCE protein (p.Gln122Leu). This variant is not present in population databases (gnomAD no frequency). This variant has not been reported in the literature in individuals affected with FANCE-related conditions. ClinVar contains an entry for this variant (Variation ID: 471928). Advanced modeling of protein sequence and biophysical properties (such as structural, functional, and spatial information, amino acid conservation, physicochemical variation, residue mobility, and thermodynamic stability) performed at Invitae indicates that this missense variant is not expected to disrupt FANCE protein function with a negative predictive value of 80%. In summary, the available evidence is currently insufficient to determine the role of this variant in disease. Therefore, it has been classified as a Variant of Uncertain Significance.

NM_021922.3(FANCE):c.365A>T (p.Gln122Leu)

Gene: FANCE (FA complementation group E; plus strand). Cytogenetic location: 6p21.31.
Variant type: single nucleotide variant.
Coding change: c.365A>T on transcript NM_021922.3 (MANE Select); coding-DNA position 365, A replaced by T.
Protein change: p.Gln122Leu; replaces glutamine 122 with leucine.
Molecular consequence: missense variant.
Genome position (GRCh38, 1-based): chr6:35,455,863, A>T. VCF-style: chr6-35455863-A-T. GRCh37 (hg19) VCF-style: chr6-35423640-A-T.
Other names: short protein forms Q122L.
Identifiers: ClinVar variation 471928 (VCV000471928.8), dbSNP rs1554121253, ClinGen allele CA363772762.